The following is an entry in ClinVar:

ClinVar aggregate classification (germline): Pathogenic (1 of 4 stars; one submission).

Conditions:
Intellectual developmental disorder, autosomal dominant 6, with or without seizures. Also called: GRIN2B-related developmental delay, intellectual disability and autism spectrum disorder; Intellectual disability, autosomal dominant 6. Identifiers: Orphanet 589547, MedGen C3151411, MONDO:0013509, OMIM 613970.

Submission:

Institute of Human Genetics, University of Leipzig Medical Center
Classification: Pathogenic for Intellectual developmental disorder, autosomal dominant 6, with or without seizures. Last evaluated: 2017-04-04. Review status: criteria provided, single submitter. Criteria: ACMG Guidelines, 2015. Collection method: clinical testing. Allele origin: de novo. Affected: yes.
Comment: This variant was identified as de novo (maternity and paternity confirmed).

Literature cited by the submitters: PubMed 28377535.

NM_000834.5(GRIN2B):c.649C>T (p.Gln217Ter)

Gene: GRIN2B (glutamate ionotropic receptor NMDA type subunit 2B; minus strand). Cytogenetic location: 12p13.1.
Variant type: single nucleotide variant.
Coding change: c.649C>T on transcript NM_000834.5 (MANE Select); coding-DNA position 649, C replaced by T.
Protein change: p.Gln217Ter; replaces glutamine 217 with a stop codon.
Molecular consequence: nonsense.
Genome position (GRCh38, 1-based): chr12:13,753,678, G>A on the plus strand (C>T on the coding strand, the complement: GRIN2B is on the minus strand). VCF-style: chr12-13753678-G-A. GRCh37 (hg19) VCF-style: chr12-13906612-G-A.
Other names: short protein forms Q217*.
Identifiers: ClinVar variation 916595 (VCV000916595.1), dbSNP rs1555133111, ClinGen allele CA384054000.